The following is an entry in ClinVar:

ClinVar aggregate classification (germline): Likely benign (1 of 4 stars; one submission).

Conditions:
ABCD3-related disorder. Also called: ABCD3-related condition.

gnomAD v4.1: 9 of 1,612,836 alleles (0.00056%); highest among the groups gnomAD compares: Non-Finnish European, 0.00076%; no homozygotes.

Submission:

PreventionGenetics, part of Exact Sciences
Classification: Likely benign for ABCD3-related condition. Last evaluated: 2026-09-05. Review status: criteria provided, single submitter. Criteria: ACMG Guidelines, 2015. Collection method: clinical testing. Allele origin: germline.
Comment: This variant is classified as likely benign based on ACMG/AMP sequence variant interpretation guidelines (Richards et al. 2015 PMID: 25741868, with internal and published modifications).

NM_002858.4(ABCD3):c.351T>C (p.Arg117=)

Gene: ABCD3 (ATP binding cassette subfamily D member 3; plus strand). Cytogenetic location: 1p21.3.
Variant type: single nucleotide variant.
Coding change: c.351T>C on transcript NM_002858.4 (MANE Select); coding-DNA position 351, T replaced by C.
Protein change: p.Arg117=; no amino-acid change (arginine 117 retained).
Molecular consequence: synonymous variant.
Genome position (GRCh38, 1-based): chr1:94,473,781, T>C. VCF-style: chr1-94473781-T-C. GRCh37 (hg19) VCF-style: chr1-94939337-T-C.
Other names: c.351T>C, p.Arg117= (NM_001122674.2).
Identifiers: ClinVar variation 4986265 (VCV004986265.1).